The following is an entry in ClinVar:

NM_006031.6(PCNT):c.8365G>A (p.Ala2789Thr)

Gene: PCNT (pericentrin; plus strand). Cytogenetic location: 21q22.3.
Variant type: single nucleotide variant.
Coding change: c.8365G>A on transcript NM_006031.6 (MANE Select); coding-DNA position 8365, G replaced by A.
Protein change: p.Ala2789Thr; replaces alanine 2789 with threonine.
Molecular consequence: missense variant.
Genome position (GRCh38, 1-based): chr21:46,431,829, G>A. VCF-style: chr21-46431829-G-A. GRCh37 (hg19) VCF-style: chr21-47851743-G-A.
Other names: c.8011G>A, p.Ala2671Thr (NM_001315529.2); short protein forms A2789T, A2671T.
Identifiers: ClinVar variation 518126 (VCV000518126.1), dbSNP rs753073203, ClinGen allele CA10080955.
Genomic context (GRCh38, chr21:46,431,829, plus strand): 5'-GAGCAGCTGAGCCAGAGGACACAGGAGGCTTGCGTGCACCAGGACACACAGGCCCATCAC[G>A]CTCTGCTGCAGAAGCTGAAGGAGGAGAAGTCCCGGGTGGTGGACTTGCAAGCGATGCTTG-3'
Protein context (NP_006022.3, residues 2779-2799): CVHQDTQAHH[Ala2789Thr]LLQKLKEEKS

ClinVar aggregate classification (germline): Likely benign (1 of 4 stars; one submission).

Allele frequency attached by ClinVar (database versions not stated): TOPMed 0.00001; gnomAD exomes 0.00002; ExAC 0.00003.
gnomAD v4.1: 20 of 1,613,712 alleles (0.0012%); highest among the groups gnomAD compares: African/African-American, 0.004%; no homozygotes.

Submission:

GeneDx
Classification: Likely benign. Last evaluated: 2017-06-28. Review status: criteria provided, single submitter. Criteria: GeneDx Variant Classification (06012015). Collection method: clinical testing. Allele origin: germline. Affected: yes.
Comment: This variant is considered likely benign or benign based on one or more of the following criteria: it is a conservative change, it occurs at a poorly conserved position in the protein, it is predicted to be benign by multiple in silico algorithms, and/or has population frequency not consistent with disease.